The following is an entry in ClinVar:

ClinVar aggregate classification (germline): Uncertain significance (1 of 4 stars; one submission).

Conditions:
Landau-Kleffner syndrome (FESD). Also called: EPILEPSY, FOCAL, WITH SPEECH DISORDER AND WITH OR WITHOUT MENTAL RETARDATION; APHASIA, ACQUIRED, WITH EPILEPSY. Identifiers: Orphanet 1945, Orphanet 725, Orphanet 98818, MedGen C0282512, MONDO:0009509, OMIM 245570.

Submission:

Labcorp Genetics (formerly Invitae), Labcorp
Classification: Uncertain significance for RESDAD. Last evaluated: 2019-08-13. Review status: criteria provided, single submitter. Criteria: Invitae Variant Classification Sherloc (09022015). Collection method: clinical testing. Allele origin: germline.
Comment: This sequence change replaces phenylalanine with serine at codon 473 of the GRIN2A protein (p.Phe473Ser). The phenylalanine residue is highly conserved and there is a large physicochemical difference between phenylalanine and serine. This variant is not present in population databases (ExAC no frequency). This variant has not been reported in the literature in individuals with GRIN2A-related conditions. Algorithms developed to predict the effect of missense changes on protein structure and function (SIFT, PolyPhen-2, Align-GVGD) all suggest that this variant is likely to be disruptive, but these predictions have not been confirmed by published functional studies and their clinical significance is uncertain. In summary, the available evidence is currently insufficient to determine the role of this variant in disease. Therefore, it has been classified as a Variant of Uncertain Significance.

NM_001134407.3(GRIN2A):c.1418T>C (p.Phe473Ser)

Gene: GRIN2A (glutamate ionotropic receptor NMDA type subunit 2A; minus strand). Cytogenetic location: 16p13.2.
Variant type: single nucleotide variant.
Coding change: c.1418T>C on transcript NM_001134407.3 (MANE Select); coding-DNA position 1418, T replaced by C.
Protein change: p.Phe473Ser; replaces phenylalanine 473 with serine.
Molecular consequence: missense variant.
Genome position (GRCh38, 1-based): chr16:9,841,015, A>G on the plus strand (T>C on the coding strand, the complement: GRIN2A is on the minus strand). VCF-style: chr16-9841015-A-G. GRCh37 (hg19) VCF-style: chr16-9934872-A-G.
Other names: c.1418T>C, p.Phe473Ser (NM_000833.5, NM_001134408.2); short protein forms F473S.
Identifiers: ClinVar variation 960503 (VCV000960503.1), dbSNP rs2042667786, ClinGen allele CA394800696.
Genomic context (GRCh38, chr16:9,841,015, plus strand): 5'-CACACATTGTTAACTTTCTTGCCATGCTTCCCATTGGTCACCAGATAGAGGTCGTAAGTA[A>G]ACTTCACAGTTCTGGAAAGCTTCTTCAGAATATCAATGCAGAACCCCTTGCAGCATTTCT-3'
Protein context (NP_001127879.1, residues 463-483): ILKKLSRTVK[Phe473Ser]TYDLYLVTNG